The following is an entry in ClinVar:

NM_000287.4(PEX6):c.697A>C (p.Asn233His)

Gene: PEX6 (peroxisomal biogenesis factor 6; minus strand). Cytogenetic location: 6p21.1.
Variant type: single nucleotide variant.
Coding change: c.697A>C on transcript NM_000287.4 (MANE Select); coding-DNA position 697, A replaced by C.
Protein change: p.Asn233His; replaces asparagine 233 with histidine.
Molecular consequence: missense variant. On other transcripts: non-coding transcript variant (1), intron variant (1).
Genome position (GRCh38, 1-based): chr6:42,978,454, T>G on the plus strand (A>C on the coding strand, the complement: PEX6 is on the minus strand). VCF-style: chr6-42978454-T-G. GRCh37 (hg19) VCF-style: chr6-42946192-T-G.
Other names: c.618+79A>C (NM_001316313.2); short protein forms N233H.
Identifiers: ClinVar variation 1983699 (VCV001983699.4), dbSNP rs374452739, ClinGen allele CA3811583.

ClinVar aggregate classification (germline): Uncertain significance (1 of 4 stars; one submission).

Conditions:
Peroxisome biogenesis disorder. Identifiers: Orphanet 79189, MedGen C1832200, MONDO:0019234. Disease mechanism: loss of function.

Allele frequency attached by ClinVar (database versions not stated): gnomAD 0.00001; ExAC 0.00002; ESP Exome Variant Server 0.00008; 1000 Genomes Project 30x 0.00016; 1000 Genomes Project 0.00020.
gnomAD v4.1: 4 of 1,614,034 alleles (0.00025%); highest among the groups gnomAD compares: African/African-American, 0.0027%; no homozygotes.

Submission:

Labcorp Genetics (formerly Invitae), Labcorp
Classification: Uncertain significance for Peroxisome biogenesis disorder. Last evaluated: 2023-10-13. Review status: criteria provided, single submitter. Criteria: Invitae Variant Classification Sherloc (09022015). Collection method: clinical testing. Allele origin: germline.
Comment: This sequence change replaces asparagine, which is neutral and polar, with histidine, which is basic and polar, at codon 233 of the PEX6 protein (p.Asn233His). This variant is present in population databases (rs374452739, gnomAD 0.01%). This variant has not been reported in the literature in individuals affected with PEX6-related conditions. ClinVar contains an entry for this variant (Variation ID: 1983699). Advanced modeling of protein sequence and biophysical properties (such as structural, functional, and spatial information, amino acid conservation, physicochemical variation, residue mobility, and thermodynamic stability) performed at Invitae indicates that this missense variant is not expected to disrupt PEX6 protein function. In summary, the available evidence is currently insufficient to determine the role of this variant in disease. Therefore, it has been classified as a Variant of Uncertain Significance.